The following is an entry in ClinVar:

ClinVar aggregate classification (germline): Likely pathogenic. Review status: criteria provided, multiple submitters, no conflicts (2 of 4 stars). 2 submissions from 2 submitters: Likely pathogenic (2). Last evaluated 2022-03-22.

Conditions:
KBG syndrome (KBGS). Also called: ANKRD11-Related KBG Syndrome. Identifiers: Orphanet 2332, MedGen C0220687, MONDO:0007846, OMIM 148050.

Submissions (2):

3billion
Classification: Likely pathogenic for KBG syndrome. Last evaluated: 2022-03-22. Review status: criteria provided, single submitter. Criteria: ACMG Guidelines, 2015. Collection method: clinical testing. Allele origin: germline. Affected: yes. Observed: 1 heterozygote.
Comment: Frameshift: predicted to result in a loss or disruption of normal protein function through nonsense-mediated decay (NMD) or protein truncation. Multiple pathogenic variants are reported downstream of the variant.It is not observed in the gnomAD v2.1.1 dataset. Therefore, this variant is classified as likely pathogenic according to the recommendation of ACMG/AMP guideline.

Revvity Omics, Revvity
Classification: Likely pathogenic for KBG syndrome. Last evaluated: 2021-12-20. Review status: criteria provided, single submitter. Criteria: ACMG Guidelines, 2015. Collection method: clinical testing. Allele origin: germline.

NM_013275.6(ANKRD11):c.1708_1711del (p.Thr571fs)

Gene: ANKRD11 (ankyrin repeat domain 11; minus strand). Cytogenetic location: 16q24.3.
Variant type: Deletion.
Coding change: c.1708_1711del on transcript NM_013275.6 (MANE Select); coding-DNA positions 1708 to 1711, 4 bases deleted (AGGA; older notation c.1708_1711delAGGA).
Protein change: p.Thr571fs; shifts the reading frame from threonine 571.
Molecular consequence: frameshift variant.
Genome position (GRCh38, 1-based): chr16:89,284,831-89,284,834, TCCT deleted on the plus strand (AGGA on the coding strand, the reverse complement: ANKRD11 is on the minus strand); deleting any 4 consecutive bases within chr16:89,284,831-89,284,835 gives the same sequence; the c. name uses the placement nearest the transcript's 3' end. VCF-style (leftmost placement, unchanged base first): chr16-89284830-GTCCT-G. GRCh37 (hg19) VCF-style: chr16-89351238-GTCCT-G.
Other names: c.1708_1711del, p.Thr571fs (NM_001256182.2, NM_001256183.2); short protein forms T571fs.
Identifiers: ClinVar variation 1526233 (VCV001526233.4), dbSNP rs2151763094, ClinGen allele CA2573152768.